The following is an entry in ClinVar:

ClinVar aggregate classification (germline): Likely pathogenic. Review status: criteria provided, multiple submitters, no conflicts (2 of 4 stars). 2 submissions from 2 submitters: Likely pathogenic (2). Last evaluated 2025-08-29.

Conditions:
Hypophosphatasia. Also called: Phosphoethanol-aminuria. Identifiers: Orphanet 436, MedGen C0020630, MeSH D007014, MONDO:0018570.

Submissions (2):

Genomenon, Inc
Classification: Likely pathogenic for Hypophosphatasia. Last evaluated: 2025-08-29. Review status: criteria provided, single submitter. Criteria: Genomenon Sequence Variant Interpretation Standards. Collection method: curation. Allele origin: germline. Affected: yes.
Comment: ALPL Glu476Gly (c.1427A>G) is a missense variant that changes the amino acid at residue 476 from Glutamic acid to Glycine. This variant has been observed in at least one proband affected with hypophosphatasia (PMID:37965189). It is absent or not present at a significant frequency in gnomAD. In silico models agree that this variant is possibly or probably damaging. The presence of pathogenic missense variant(s) at the same amino acid position indicates that this residue is likely important for protein function. In conclusion, we classify ALPL p.Glu476Gly (c.1427A>G) as a likely pathogenic variant.

Labcorp Genetics (formerly Invitae), Labcorp
Classification: Likely pathogenic. Last evaluated: 2021-05-08. Review status: criteria provided, single submitter. Criteria: Invitae Variant Classification Sherloc (09022015). Collection method: clinical testing. Allele origin: germline.
Comment: This sequence change replaces glutamic acid with glycine at codon 476 of the ALPL protein (p.Glu476Gly). The glutamic acid residue is moderately conserved and there is a moderate physicochemical difference between glutamic acid and glycine. This variant is not present in population databases (ExAC no frequency). This variant has not been reported in the literature in individuals with ALPL-related conditions. Advanced modeling of protein sequence and biophysical properties (such as structural, functional, and spatial information, amino acid conservation, physicochemical variation, residue mobility, and thermodynamic stability) performed at Invitae indicates that this missense variant is expected to disrupt ALPL protein function. This variant disrupts the p.Glu476 amino acid residue in ALPL. Other variant(s) that disrupt this residue have been determined to be pathogenic (PMID: 19500388, 29236161, Invitae). This suggests that this residue is clinically significant, and that variants that disrupt this residue are likely to be disease-causing. In summary, the currently available evidence indicates that the variant is pathogenic, but additional data are needed to prove that conclusively. Therefore, this variant has been classified as Likely Pathogenic.

Literature cited by the submitters: PubMed 37965189 (cited by Genomenon, Inc); PubMed 19500388 (cited by Labcorp Genetics (formerly Invitae), Labcorp); PubMed 29236161 (cited by Labcorp Genetics (formerly Invitae), Labcorp).

NM_000478.6(ALPL):c.1427A>G (p.Glu476Gly)

Gene: ALPL (alkaline phosphatase, biomineralization associated; plus strand). Cytogenetic location: 1p36.12.
Variant type: single nucleotide variant.
Coding change: c.1427A>G on transcript NM_000478.6 (MANE Select); coding-DNA position 1427, A replaced by G.
Protein change: p.Glu476Gly; replaces glutamic acid 476 with glycine.
Molecular consequence: missense variant.
Genome position (GRCh38, 1-based): chr1:21,577,500, A>G. VCF-style: chr1-21577500-A-G. GRCh37 (hg19) VCF-style: chr1-21903993-A-G.
Other names: c.1262A>G, p.Glu421Gly (NM_001127501.4); c.1196A>G, p.Glu399Gly (NM_001177520.3); c.1427A>G, p.Glu476Gly (NM_001369803.2, NM_001369804.2, NM_001369805.2); short protein forms E421G, E476G, E399G.
Identifiers: ClinVar variation 1511156 (VCV001511156.7), dbSNP rs2148195004, ClinGen allele CA338882176.